The following is an entry in ClinVar:

NM_000455.5(STK11):c.-5C>T

Gene: STK11 (serine/threonine kinase 11; plus strand). Cytogenetic location: 19p13.3.
Variant type: single nucleotide variant.
Coding change: c.-5C>T on transcript NM_000455.5 (MANE Select); 5 bases upstream of the start codon, C replaced by T.
Molecular consequence: 5 prime UTR variant.
Genome position (GRCh38, 1-based): chr19:1,206,909, C>T. VCF-style: chr19-1206909-C-T. GRCh37 (hg19) VCF-style: chr19-1206908-C-T.
Identifiers: ClinVar variation 186562 (VCV000186562.8), dbSNP rs786203043, ClinGen allele CA023123.
Genomic context (GRCh38, chr19:1,206,909, plus strand): 5'-CAAGGAAGGACCGCTCACCCGCGGACTCAGGGCTGGCGGCGGGACTCCAGGACCCTGGGT[C>T]CAGCATGGAGGTGGTGGACCCGCAGCAGCTGGGCATGTTCACGGAGGGCGAGCTGATGTC-3'

ClinVar aggregate classification (germline): Uncertain significance. Review status: criteria provided, multiple submitters, no conflicts (2 of 4 stars). 2 submissions from 2 submitters: Uncertain significance (2). Last evaluated 2025-10-03.

Conditions:
Hereditary cancer-predisposing syndrome. Also called: Hereditary Cancer Syndrome; Neoplastic Syndromes, Hereditary; Tumor predisposition; Hereditary neoplastic syndrome. Identifiers: Orphanet 140162, MedGen C0027672, MeSH D009386, MONDO:0015356.
Peutz-Jeghers syndrome (PJS). Also called: POLYPOSIS, HAMARTOMATOUS INTESTINAL; POLYPS-AND-SPOTS SYNDROME; Peutz-Jeghers polyposis; Periorificial lentiginosis syndrome. Identifiers: Orphanet 2869, MedGen C0031269, MeSH D010580, MONDO:0008280, OMIM 175200.

Allele frequency attached by ClinVar (database versions not stated): gnomAD exomes below 0.00001.
gnomAD v4.1: 2 of 1,570,482 alleles (0.00013%); highest among the groups gnomAD compares: Non-Finnish European, 0.00017%; no homozygotes.

Submissions (2):

Ambry Genetics
Classification: Uncertain significance for Hereditary cancer-predisposing syndrome. Last evaluated: 2025-10-03. Review status: criteria provided, single submitter. Criteria: Ambry Variant Classification Scheme 2023. Collection method: clinical testing. Allele origin: germline.
Comment: The c.-5C>T variant is located in the 5' untranslated region (5&rsquo; UTR) of the STK11 gene. This variant results from a C to T substitution 5 bases upstream from the first translated codon. This nucleotide position is well conserved in available vertebrate species. Since supporting evidence is limited at this time, the clinical significance of this alteration remains unclear.

All of Us Research Program, National Institutes of Health
Classification: Uncertain significance for Peutz-Jeghers syndrome. Last evaluated: 2023-10-23. Review status: criteria provided, single submitter. Criteria: ACMG Guidelines, 2015. Collection method: clinical testing. Allele origin: germline. Inheritance: Autosomal dominant inheritance. Observed: 1 variant allele, 1 heterozygote.
Comment: This variant causes an C to T nucleotide substitution at the -5 position in the 5' untranslated region in the STK11 gene. To our knowledge, functional studies have not been reported for this variant. This variant has not been reported in individuals affected with STK11-related disorders in the literature. This variant has not been identified in the general population by the Genome Aggregation Database (gnomAD). The available evidence is insufficient to determine the role of this variant in disease conclusively. Therefore, this variant is classified as a Variant of Uncertain Significance.

This study involves interpretation of variants in research participants for the purpose of population health screening. Participant phenotype was not available at the time of variant classification. Additional details can be found in publication PMID: 35346344, PMCID: PMC8962531